The following is an entry in ClinVar:

NM_000051.4(ATM):c.1065+10G>A

Gene: ATM (ATM serine/threonine kinase; plus strand). Cytogenetic location: 11q22.3.
Variant type: single nucleotide variant.
Coding change: c.1065+10G>A on transcript NM_000051.4 (MANE Select); 10 bases into the intron after coding-DNA position 1065, G replaced by A.
Molecular consequence: intron variant.
Genome position (GRCh38, 1-based): chr11:108,247,137, G>A. VCF-style: chr11-108247137-G-A. GRCh37 (hg19) VCF-style: chr11-108117864-G-A.
Other names: c.1065+10G>A (NM_001351834.2).
Identifiers: ClinVar variation 757199 (VCV000757199.11), dbSNP rs1591511658, ClinGen allele CA915947730.

ClinVar aggregate classification (germline): Likely benign. Review status: criteria provided, multiple submitters, no conflicts (2 of 4 stars). 3 submissions from 3 submitters: Likely benign (3). Last evaluated 2025-03-31.

Conditions:
Hereditary cancer-predisposing syndrome. Also called: Tumor predisposition; Hereditary Cancer Syndrome; Neoplastic Syndromes, Hereditary; Hereditary neoplastic syndrome. Identifiers: Orphanet 140162, MedGen C0027672, MeSH D009386, MONDO:0015356.
Familial cancer of breast. Also called: Hereditary breast cancer; BREAST CANCER, FAMILIAL; hereditary breast carcinoma. Identifiers: Orphanet 227535, MedGen C0346153, MONDO:0016419, OMIM 114480. Disease mechanism: loss of function.
Ataxia-telangiectasia syndrome (AT). Also called: Ataxia telangiectasia (A-T); Cerebello-oculocutaneous telangiectasia; Immunodeficiency with ataxia telangiectasia; LOUIS-BAR SYNDROME; ATAXIA-TELANGIECTASIA, FRESNO VARIANT; Ataxia-telangiectasia, complementation group D. Identifiers: Orphanet 100, MedGen C0004135, MONDO:0008840, OMIM 208900.

Submissions (3):

Labcorp Genetics (formerly Invitae), Labcorp
Classification: Likely benign for Ataxia-telangiectasia syndrome. Last evaluated: 2025-03-31. Review status: criteria provided, single submitter. Criteria: Invitae Variant Classification Sherloc (09022015). Collection method: clinical testing. Allele origin: germline.

Molecular Diagnostics Laboratory, Catalan Institute of Oncology
Classification: Likely benign for Hereditary cancer-predisposing syndrome. Last evaluated: 2024-11-18. Review status: criteria provided, single submitter. Criteria: ClinGen ACMG Specifications ATM V1.1.0. Collection method: clinical testing. Allele origin: germline.
Comment: BP4, BP7, PM2_Supporting ATM c.1065+10G>A, is an intronic variant not very close to a canonical splice site, where the SpliceAI algorithm predicts no significant impact on splicing (BP4 and BP7).It is not present in the population database gnomAD v2.1.1, non cancer dataset (PM2_supporting). To our knowledge, neither relevant clinical data nor well-stablished functional studies have been reported for this variant. In addition, the variant has been identified in the ClinVar database (2x likely benign), but it is not present in the LOVD database. Based on currently available information, the variant c.1065+10G>A is classified as a likely benign variant according to ClinGen-ATM Guidelines version v1.1.

Myriad Genetics, Inc.
Classification: Likely benign for Familial cancer of breast. Last evaluated: 2024-04-24. Review status: criteria provided, single submitter. Criteria: Myriad Autosomal Dominant, Autosomal Recessive and X-Linked Classification Criteria (2023). Collection method: clinical testing. Allele origin: unknown.
Comment: This variant is considered likely benign. This variant is intronic and is not expected to impact mRNA splicing.